The following is an entry in ClinVar:

ClinVar aggregate classification (germline): Pathogenic. Review status: reviewed by expert panel (3 of 4 stars). 14 submissions from 14 submitters: Pathogenic (1). 13 of the submissions do not count toward it. Last evaluated 2016-10-18.

Conditions:
Hereditary cancer-predisposing syndrome. Also called: Hereditary Cancer Syndrome; Hereditary neoplastic syndrome; Neoplastic Syndromes, Hereditary; Tumor predisposition. Identifiers: Orphanet 140162, MedGen C0027672, MeSH D009386, MONDO:0015356.
Breast-ovarian cancer, familial, susceptibility to, 1 (BROVCA1). Also called: BRCA1 Hereditary Breast and Ovarian Cancer; OVARIAN CANCER, SUSCEPTIBILITY TO. Identifiers: Orphanet 145, MedGen C2676676, MONDO:0011450, OMIM 604370. Disease mechanism: loss of function.
Fanconi anemia, complementation group S (FANCS). Identifiers: MedGen C4554406, MONDO:0054748, OMIM 617883.
Hereditary breast ovarian cancer syndrome. Also called: BRCA1- and BRCA2-Associated Hereditary Breast and Ovarian Cancer; Hereditary breast and ovarian cancer syndrome; Hereditary breast and ovarian cancer syndrome (HBOC); Breast and ovarian cancer; Hereditary breast and/or ovarian cancer syndrome; Hereditary breast and ovarian cancer. Identifiers: Orphanet 145, MedGen C0677776, MeSH D061325, MONDO:0003582. Disease mechanism: loss of function.

Submissions 1 to 9 of 14:

Evidence-based Network for the Interpretation of Germline Mutant Alleles (ENIGMA)
Classification: Pathogenic for Breast-ovarian cancer, familial, susceptibility to, 1. Last evaluated: 2016-10-18. Review status: reviewed by expert panel. Criteria: ENIGMA BRCA1/2 Classification Criteria (2015). Collection method: curation. Allele origin: germline.
Comment: Variant allele predicted to encode a truncated non-functional protein.

Labcorp Genetics (formerly Invitae), Labcorp
Classification: Pathogenic for Hereditary breast ovarian cancer syndrome. Last evaluated: 2025-06-02. Review status: criteria provided, single submitter. Criteria: Invitae Variant Classification Sherloc (09022015). Collection method: clinical testing. Allele origin: germline. Not counted in ClinVar's aggregate classification.
Comment: This sequence change creates a premature translational stop signal (p.Pro968Leufs*33) in the BRCA1 gene. It is expected to result in an absent or disrupted protein product. Loss-of-function variants in BRCA1 are known to be pathogenic (PMID: 20104584). This variant is not present in population databases (gnomAD no frequency). This premature translational stop signal has been observed in individual(s) with breast and ovarian cancer (PMID: 23683081, 24137399, 25136594). This variant is also known as c.2901insCT and c.2900_2901dupCT. ClinVar contains an entry for this variant (Variation ID: 91602). For these reasons, this variant has been classified as Pathogenic.

3billion
Classification: Pathogenic for Breast-ovarian cancer, familial, susceptibility to, 1. Last evaluated: 2025-03-05. Review status: criteria provided, single submitter. Criteria: ACMG Guidelines, 2015. Collection method: clinical testing. Allele origin: germline. Affected: yes. Not counted in ClinVar's aggregate classification.
Comment: The variant is not observed in the gnomAD v4.1.0 dataset. Predicted Consequence/Location: Frameshift: predicted to result in a loss or disruption of normal protein function through nonsense-mediated decay (NMD) or protein truncation. Multiple pathogenic variants are reported downstream of the variant. The variant has been reported multiple times as an established pathogenic variant (ClinVar ID: VCV000091602 /PMID: 23683081). Therefore, this variant is classified as Pathogenic according to the recommendation of ACMG/AMP guideline.

Molecular Diagnostics Laboratory, Catalan Institute of Oncology
Classification: Pathogenic for Hereditary cancer-predisposing syndrome. Last evaluated: 2024-11-17. Review status: criteria provided, single submitter. Criteria: ClinGen BRCA1BRCA2 ACMG Specifications BRCA1 V1.0.0. Collection method: clinical testing. Allele origin: germline. Not counted in ClinVar's aggregate classification.
Comment: PVS1, PM5_PTC_Strong c.2901_2902dup, located in exon 10 (11 in BIC nomenclature) of the BRCA1 gene, consists in the duplication of two nucleotides, causing a translational frameshift with a predicted alternate stop codon, p.(Pro968Leufs*33). This alteration is expected to result in loss of function because the resulting coding sequence is not preserved (PVS1, PM5_PTC_Strong). It is not present in the population database gnomAD v2.1.1, non-cancer dataset. The SpliceAI algorithm predicts no significant impact on splicing. This variant has been reported in the ClinVar database (10x Pathogenic) and in LOVD database (6x pathogenic, 1x not classified) and classified as a pathogenic variant in BRCA Exchange database (“2016-10-18: Variant allele predicted to encode a truncated non-functional protein”). Based on currently available information, the variant c.2901_2902dup is classified as a pathogenic variant according to ClinGen-BRCA1 and BRCA2 Guidelines version 1.0.0.

Ambry Genetics
Classification: Pathogenic for Hereditary cancer-predisposing syndrome. Last evaluated: 2024-10-17. Review status: criteria provided, single submitter. Criteria: Ambry Variant Classification Scheme 2023. Collection method: clinical testing. Allele origin: germline. Not counted in ClinVar's aggregate classification.
Comment: The c.2901_2902dupTC pathogenic mutation, located in coding exon 9 of the BRCA1 gene, results from a duplication of TC at nucleotide position 2901, causing a translational frameshift with a predicted alternate stop codon (p.P968Lfs*33). This mutation has been detected in multiple individuals with personal and/or family histories of breast and ovarian cancer, and has been seen specifically in families of Northern Spanish (Asturian) descent, suggesting a possible founder effect (Blay P et al. BMC Cancer, 2013 May;13:243; Salgado J et al. Oncol Lett, 2013 Sep;6:725-727; Cardoso FC et al. Hum. Genomics, 2018 08;12:39; Ruiz de Sabando A et al. BMC Cancer, 2019 Nov;19:1145). This variant is considered to be rare based on population cohorts in the Genome Aggregation Database (gnomAD). In addition to the clinical data presented in the literature, this alteration is expected to result in loss of function by premature protein truncation or nonsense-mediated mRNA decay. As such, this alteration is interpreted as a disease-causing mutation.

Department of Pathology and Laboratory Medicine, Sinai Health System
Classification: Pathogenic for Fanconi anemia, complementation group S. Last evaluated: 2023-05-01. Review status: criteria provided, single submitter. Criteria: ACMG Guidelines, 2015. Collection method: clinical testing. Allele origin: germline. Affected: no. Not counted in ClinVar's aggregate classification.

Baylor Genetics
Classification: Pathogenic for Breast-ovarian cancer, familial, susceptibility to, 1. Last evaluated: 2022-08-23. Review status: criteria provided, single submitter. Criteria: ACMG Guidelines, 2015. Collection method: clinical testing. Allele origin: unknown. Not counted in ClinVar's aggregate classification.

Sema4
Classification: Pathogenic for Hereditary cancer-predisposing syndrome. Last evaluated: 2022-03-04. Review status: criteria provided, single submitter. Criteria: Sema4 Curation Guidelines. Collection method: curation. Allele origin: germline. Not counted in ClinVar's aggregate classification.
Comment: The BRCA1 c.2901_2902dupTC (p.P968LfsX33) variant has been reported in heterozygosity in multiple individuals with breast and ovarian cancer (PMID: 23683081, 29446198, 24137399, 30103829). It has been reported in a large case-control study of breast cancer in 4/60466 cases and 0/53461 controls (PMID: 33471991). It is also known as c.2900_2901dupCT, 3020insCT, c.2901insCT in the literature. This variant causes a frameshift at amino acid 968 that results in premature termination 33 amino acids downstream. At this location, it is predicted to cause a severely disrupted protein product or nonsense-mediated decay resulting in absent protein, i.e. a loss of gene function. Loss of function variants in BRCA1 are known to be pathogenic (PMID: 29446198). This variant is not reported in the population database Genome Aggregation Database (PMID: 32461654). This variant has been reported in ClinVar (Variation ID: 91602). Based on the current evidence available, this variant is interpreted as pathogenic.

Color Diagnostics, LLC DBA Color Health
Classification: Pathogenic for Hereditary cancer-predisposing syndrome. Last evaluated: 2021-01-25. Review status: criteria provided, single submitter. Criteria: ACMG Guidelines, 2015. Collection method: clinical testing. Allele origin: germline. Not counted in ClinVar's aggregate classification.
Comment: This variant inserts 2 nucleotides in exon 10 of the BRCA1 gene, creating a frameshift and premature translation stop signal. This variant is expected to result in an absent or non-functional protein product. To our knowledge, functional studies have not been reported for this variant. This variant has been observed in multiple individuals and families affected with breast and ovarian cancer (PMID: 23683081, 24137399, 25136594, 30103829, 31771539). This variant has not been identified in the general population by the Genome Aggregation Database (gnomAD). Loss of BRCA1 function is a known mechanism of disease. Based on the available evidence, this variant is classified as Pathogenic.

NM_007294.4(BRCA1):c.2901_2902dup (p.Pro968fs)

Gene: BRCA1 (BRCA1 DNA repair associated; minus strand). Cytogenetic location: 17q21.31.
Variant type: Duplication.
Coding change: c.2901_2902dup on transcript NM_007294.4 (MANE Select); coding-DNA positions 2901 to 2902, 2 bases duplicated (TC; older notation c.2901_2902dupTC).
Protein change: p.Pro968fs; shifts the reading frame from proline 968.
Molecular consequence: frameshift variant. On other transcripts: intron variant (137).
Genome position (GRCh38, 1-based): chr17:43,092,629-43,092,630, GA duplicated on the plus strand (TC on the coding strand, the reverse complement: BRCA1 is on the minus strand); duplicating any 2 consecutive bases within chr17:43,092,629-43,092,631 gives the same sequence; the c. name uses the placement nearest the transcript's 3' end. VCF-style (leftmost placement, unchanged base first): chr17-43092628-G-GGA. GRCh37 (hg19) VCF-style: chr17-41244645-G-GGA.
Other names: 3020dupTC; 3021insTC; c.2688_2689dup, p.Pro897fs (NM_001407571.1, NM_001407853.1, NM_001407894.1 and 9 more transcripts); c.2901_2902dup, p.Pro968fs (NM_001407581.1, NM_001407582.1, NM_001407583.1 and 30 more transcripts); c.2898_2899dup, p.Pro967fs (NM_001407587.1, NM_001407590.1, NM_001407591.1 and 22 more transcripts); c.2892_2893dup, p.Pro965fs (NM_001407646.1, NM_001407647.1); c.2778_2779dup, p.Pro927fs (NM_001407648.1, NM_001407664.1, NM_001407665.1 and 19 more transcripts); c.2775_2776dup, p.Pro926fs (NM_001407649.1, NM_001407670.1, NM_001407671.1 and 11 more transcripts); and 44 more; short protein forms P921fs, P968fs, P856fs, P857fs, P879fs, P897fs, P920fs, P967fs.
Identifiers: ClinVar variation 91602 (VCV000091602.28), dbSNP rs398122670, ClinGen allele CA001889.